The following is an entry in ClinVar:

NM_000392.5(ABCC2):c.2731C>T (p.Arg911Ter)

Genes: ABCC2 (ATP binding cassette subfamily C member 2; plus strand), LOC126861012 (BRD4-independent group 4 enhancer GRCh37_chr10:101589748-101590947; plus strand). Cytogenetic location: 10q24.2.
Variant type: single nucleotide variant.
Coding change: c.2731C>T on transcript NM_000392.5 (MANE Select); coding-DNA position 2731, C replaced by T.
Protein change: p.Arg911Ter; replaces arginine 911 with a stop codon.
Molecular consequence: nonsense.
Genome position (GRCh38, 1-based): chr10:99,830,417, C>T. VCF-style: chr10-99830417-C-T. GRCh37 (hg19) VCF-style: chr10-101590174-C-T.
Other names: short protein forms R911*.
Identifiers: ClinVar variation 3013955 (VCV003013955.5), dbSNP rs756825916, ClinGen allele CA5643565.

ClinVar aggregate classification (germline): Pathogenic/Likely pathogenic. Review status: criteria provided, multiple submitters, no conflicts (2 of 4 stars). 2 submissions from 2 submitters: Pathogenic (1); Likely pathogenic (1). Last evaluated 2026-01-08.

Conditions:
ABCC2-related disorder. Also called: ABCC2-related condition.

Allele frequency attached by ClinVar (database versions not stated): ExAC 0.00002.
gnomAD v4.1: 22 of 1,614,104 alleles (0.0014%); highest among the groups gnomAD compares: African/African-American, 0.0053%; no homozygotes.

Submissions (2):

PreventionGenetics, part of Exact Sciences
Classification: Likely pathogenic for ABCC2-related condition. Last evaluated: 2026-01-08. Review status: criteria provided, single submitter. Criteria: ACMG Guidelines, 2015. Collection method: clinical testing. Allele origin: germline.
Comment: The ABCC2 c.2731C>T variant is predicted to result in premature protein termination (p.Arg911*). To our knowledge, this variant has not been reported in the literature. This variant is reported in 0.0062% of alleles in individuals of African descent in gnomAD. Nonsense variants in ABCC2 are expected to be pathogenic. This variant is interpreted as likely pathogenic.

Labcorp Genetics (formerly Invitae), Labcorp
Classification: Pathogenic. Last evaluated: 2023-12-15. Review status: criteria provided, single submitter. Criteria: Invitae Variant Classification Sherloc (09022015). Collection method: clinical testing. Allele origin: germline.
Comment: This sequence change creates a premature translational stop signal (p.Arg911*) in the ABCC2 gene. It is expected to result in an absent or disrupted protein product. Loss-of-function variants in ABCC2 are known to be pathogenic (PMID: 9185779, 16549534, 16952291). This variant is present in population databases (rs756825916, gnomAD 0.007%). This variant has not been reported in the literature in individuals affected with ABCC2-related conditions. For these reasons, this variant has been classified as Pathogenic.

Literature cited by the submitters: PubMed 9185779 (cited by Labcorp Genetics (formerly Invitae), Labcorp); PubMed 16549534 (cited by Labcorp Genetics (formerly Invitae), Labcorp); PubMed 16952291 (cited by Labcorp Genetics (formerly Invitae), Labcorp).